The following is an entry in ClinVar:

ClinVar aggregate classification (germline): Conflicting classifications of pathogenicity. Review status: criteria provided, conflicting classifications (1 of 4 stars). 6 submissions from 6 submitters: Uncertain significance (3); Likely benign (2). 1 of the submissions does not count toward it. Last evaluated 2026-01-05.

Conditions:
Inborn genetic diseases. Identifiers: MedGen C0950123, MeSH D030342.
Joubert syndrome 9 (JBTS9). Identifiers: Orphanet 2318, MedGen C2676788, MONDO:0012849, OMIM 612285.
Meckel syndrome, type 6. Identifiers: Orphanet 564, MedGen C2676790, MONDO:0012848, OMIM 612284.
Retinitis pigmentosa 93. Identifiers: MedGen C5676970, MONDO:0030797, OMIM 619845.
COACH syndrome 2. Identifiers: MedGen C5436837, MONDO:0030859, OMIM 619111.
CC2D2A-related disorder. Also called: CC2D2A-related condition; CC2D2A-related disorders. Identifiers: MedGen CN239313.
Meckel-Gruber syndrome. Also called: Dysencephalia splachnocystica; DYSENCEPHALIA SPLANCHNOCYSTICA; GRUBER SYNDROME. Identifiers: Orphanet 564, MedGen C0265215, MONDO:0018921.
Joubert syndrome. Also called: JOUBERT-BOLTSHAUSER SYNDROME; Familial aplasia of the vermis. Identifiers: Orphanet 475, MedGen C5979921, MONDO:0018772.

Allele frequency attached by ClinVar (database versions not stated): gnomAD exomes 0.00006 and 0.00012; ExAC 0.00014; 1000 Genomes Project 30x 0.00031.
gnomAD v4.1: 94 of 1,547,002 alleles (0.0061%); highest among the groups gnomAD compares: South Asian, 0.055%; no homozygotes.

Submissions (6):

Labcorp Genetics (formerly Invitae), Labcorp
Classification: Likely benign for Joubert syndrome; Meckel-Gruber syndrome. Last evaluated: 2026-01-05. Review status: criteria provided, single submitter. Criteria: Invitae Variant Classification Sherloc (09022015). Collection method: clinical testing. Allele origin: germline.

Fulgent Genetics
Classification: Uncertain significance for Meckel syndrome, type 6; Joubert syndrome 9; COACH syndrome 2; Retinitis pigmentosa 93. Last evaluated: 2024-05-30. Review status: criteria provided, single submitter. Criteria: ACMG Guidelines, 2015. Collection method: clinical testing. Allele origin: germline.

GeneDx
Classification: Uncertain significance. Last evaluated: 2024-04-27. Review status: criteria provided, single submitter. Criteria: GeneDx Variant Classification Process June 2021. Collection method: clinical testing. Allele origin: germline. Affected: yes.
Comment: In silico analysis indicates that this missense variant does not alter protein structure/function; Has not been previously published as pathogenic or benign to our knowledge

Ambry Genetics
Classification: Likely benign for Inborn genetic diseases. Last evaluated: 2023-12-20. Review status: criteria provided, single submitter. Criteria: Ambry Variant Classification Scheme 2023. Collection method: clinical testing. Allele origin: germline.

Eurofins Ntd Llc (ga)
Classification: Uncertain significance. Last evaluated: 2017-10-13. Review status: criteria provided, single submitter. Criteria: EGL Classification Definitions 2015. Collection method: clinical testing. Allele origin: germline. Observed: 2 variant alleles, 2 heterozygotes.

PreventionGenetics, part of Exact Sciences
Classification: Uncertain significance for CC2D2A-related condition. Last evaluated: 2024-07-18. Review status: no assertion criteria provided. Collection method: clinical testing. Allele origin: germline. Not counted in ClinVar's aggregate classification.
Comment: The CC2D2A c.4334G>A variant is predicted to result in the amino acid substitution p.Arg1445Gln. To our knowledge, this variant has not been reported in the literature. This variant is reported in 0.073% of alleles in individuals of South Asian descent in gnomAD. Although we suspect that this variant may be benign, at this time, the clinical significance of this variant is uncertain due to the absence of conclusive functional and genetic evidence.

NM_001378615.1(CC2D2A):c.4334G>A (p.Arg1445Gln)

Genes: CC2D2A (coiled-coil and C2 domain containing 2A; plus strand), FBXL5 (F-box and leucine rich repeat protein 5; minus strand). Cytogenetic location: 4p15.32.
Variant type: single nucleotide variant.
Coding change: c.4334G>A on transcript NM_001378615.1 (MANE Select); coding-DNA position 4334, G replaced by A.
Protein change: p.Arg1445Gln; replaces arginine 1445 with glutamine.
Molecular consequence: missense variant.
Genome position (GRCh38, 1-based): chr4:15,596,104, G>A. VCF-style: chr4-15596104-G-A. GRCh37 (hg19) VCF-style: chr4-15597727-G-A.
Other names: c.4334G>A, p.Arg1445Gln (NM_001080522.2); c.4187G>A, p.Arg1396Gln (NM_001378617.1); short protein forms R1445Q, R1396Q.
Identifiers: ClinVar variation 498760 (VCV000498760.18), dbSNP rs113065116, ClinGen allele CA2864377.